The following is an entry in ClinVar:

NM_012281.3(KCND2):c.883T>C (p.Phe295Leu)

Gene: KCND2 (potassium voltage-gated channel subfamily D member 2; plus strand). Cytogenetic location: 7q31.31.
Variant type: single nucleotide variant.
Coding change: c.883T>C on transcript NM_012281.3 (MANE Select); coding-DNA position 883, T replaced by C.
Protein change: p.Phe295Leu; replaces phenylalanine 295 with leucine.
Molecular consequence: missense variant.
Genome position (GRCh38, 1-based): chr7:120,275,515, T>C. VCF-style: chr7-120275515-T-C. GRCh37 (hg19) VCF-style: chr7-119915569-T-C.
Other names: short protein forms F295L.
Identifiers: ClinVar variation 4709924 (VCV004709924.1).

ClinVar aggregate classification (germline): Uncertain significance (1 of 4 stars; one submission).

Conditions:
Early Myoclonic Encephalopathy. Identifiers: MedGen C0270855.

Submission:

Labcorp Genetics (formerly Invitae), Labcorp
Classification: Uncertain significance for Early Myoclonic Encephalopathy. Last evaluated: 2025-04-11. Review status: criteria provided, single submitter. Criteria: Invitae Variant Classification Sherloc (09022015). Collection method: clinical testing. Allele origin: germline.
Comment: This sequence change replaces phenylalanine, which is neutral and non-polar, with leucine, which is neutral and non-polar, at codon 295 of the KCND2 protein (p.Phe295Leu). This variant is not present in population databases (gnomAD no frequency). This variant has not been reported in the literature in individuals affected with KCND2-related conditions. Invitae Evidence Modeling of protein sequence and biophysical properties (such as structural, functional, and spatial information, amino acid conservation, physicochemical variation, residue mobility, and thermodynamic stability) has been performed for this missense variant. However, the output from this modeling did not meet the statistical confidence thresholds required to predict the impact of this variant on KCND2 protein function. In summary, the available evidence is currently insufficient to determine the role of this variant in disease. Therefore, it has been classified as a Variant of Uncertain Significance.